The following is an entry in ClinVar:

ClinVar aggregate classification (germline): Benign/Likely benign. Review status: criteria provided, multiple submitters, no conflicts (2 of 4 stars). 3 submissions from 3 submitters: Benign (1); Likely benign (2). Last evaluated 2024-09-23.

Conditions:
Hereditary diffuse gastric adenocarcinoma (HDGC). Also called: DIFFUSE GASTRIC AND LOBULAR BREAST CANCER SYNDROME. Identifiers: Orphanet 26106, MedGen C1708349, MONDO:0007648, OMIM 137215.
Hereditary cancer-predisposing syndrome. Also called: Hereditary Cancer Syndrome; Neoplastic Syndromes, Hereditary; Tumor predisposition; Hereditary neoplastic syndrome. Identifiers: Orphanet 140162, MedGen C0027672, MeSH D009386, MONDO:0015356.

Submissions (3):

Myriad Genetics, Inc.
Classification: Benign for Hereditary diffuse gastric adenocarcinoma. Last evaluated: 2024-09-23. Review status: criteria provided, single submitter. Criteria: Myriad Autosomal Dominant, Autosomal Recessive and X-Linked Classification Criteria (2023). Collection method: clinical testing. Allele origin: unknown.
Comment: This variant is considered benign. This variant is a silent/synonymous amino acid change and it is not expected to impact splicing.

Labcorp Genetics (formerly Invitae), Labcorp
Classification: Likely benign for Hereditary diffuse gastric adenocarcinoma. Last evaluated: 2021-12-18. Review status: criteria provided, single submitter. Criteria: Invitae Variant Classification Sherloc (09022015). Collection method: clinical testing. Allele origin: germline.

Ambry Genetics
Classification: Likely benign for Hereditary cancer-predisposing syndrome. Last evaluated: 2014-10-20. Review status: criteria provided, single submitter. Criteria: Ambry Variant Classification Scheme 2023. Collection method: clinical testing. Allele origin: germline.

NM_004360.5(CDH1):c.2229C>G (p.Pro743=)

Gene: CDH1 (cadherin 1; plus strand). Cytogenetic location: 16q22.1.
Variant type: single nucleotide variant.
Coding change: c.2229C>G on transcript NM_004360.5 (MANE Select); coding-DNA position 2229, C replaced by G.
Protein change: p.Pro743=; no amino-acid change (proline 743 retained).
Molecular consequence: synonymous variant.
Genome position (GRCh38, 1-based): chr16:68,828,238, C>G. VCF-style: chr16-68828238-C-G. GRCh37 (hg19) VCF-style: chr16-68862141-C-G.
Other names: c.2229C>G (LRG_301t1); c.2046C>G, p.Pro682= (NM_001317184.2); c.681C>G, p.Pro227= (NM_001317185.2); c.264C>G, p.Pro88= (NM_001317186.2).
Identifiers: ClinVar variation 186609 (VCV000186609.15), dbSNP rs786203083, ClinGen allele CA195315.